The following is an entry in ClinVar:

ClinVar aggregate classification (germline): Likely benign. Review status: criteria provided, multiple submitters, no conflicts (2 of 4 stars). 2 submissions from 2 submitters: Likely benign (2). Last evaluated 2022-02-09.

Conditions:
Muscular dystrophy-dystroglycanopathy (congenital with brain and eye anomalies), type a, 11 (MDDGA11). Also called: Congenital muscular dystrophy-dystroglycanopathy with brain and eye anomalies, type A11; WALKER-WARBURG SYNDROME OR MUSCLE-EYE-BRAIN DISEASE, B3GALNT2-RELATED; Muscular dystrophy-dystroglycanopathy (congenital with brain and eye anomalies, type A, 11. Identifiers: Orphanet 588, Orphanet 899, MedGen C3554638, MONDO:0014071, OMIM 615181.

Submissions (2):

Labcorp Genetics (formerly Invitae), Labcorp
Classification: Likely benign for Muscular dystrophy-dystroglycanopathy (congenital with brain and eye anomalies), type a, 11. Last evaluated: 2022-02-09. Review status: criteria provided, single submitter. Criteria: Invitae Variant Classification Sherloc (09022015). Collection method: clinical testing. Allele origin: germline.

GeneDx
Classification: Likely benign. Last evaluated: 2017-05-08. Review status: criteria provided, single submitter. Criteria: GeneDx Variant Classification (06012015). Collection method: clinical testing. Allele origin: germline. Affected: yes.
Comment: This variant is considered likely benign or benign based on one or more of the following criteria: it is a conservative change, it occurs at a poorly conserved position in the protein, it is predicted to be benign by multiple in silico algorithms, and/or has population frequency not consistent with disease.

NM_152490.5(B3GALNT2):c.1152-19A>G

Gene: B3GALNT2 (beta-1,3-N-acetylgalactosaminyltransferase 2; minus strand). Cytogenetic location: 1q42.3.
Variant type: single nucleotide variant.
Coding change: c.1152-19A>G on transcript NM_152490.5 (MANE Select); 19 bases into the intron before coding-DNA position 1152, A replaced by G.
Molecular consequence: intron variant.
Genome position (GRCh38, 1-based): chr1:235,454,334, T>C on the plus strand (A>G on the coding strand, the complement: B3GALNT2 is on the minus strand). VCF-style: chr1-235454334-T-C. GRCh37 (hg19) VCF-style: chr1-235617646-T-C.
Identifiers: ClinVar variation 509410 (VCV000509410.6), dbSNP rs1553342808, ClinGen allele CA658795619.